The following is an entry in ClinVar:

ClinVar aggregate classification (germline): Uncertain significance (1 of 4 stars; one submission).

Submission:

GeneDx
Classification: Uncertain significance. Last evaluated: 2022-04-25. Review status: criteria provided, single submitter. Criteria: GeneDx Variant Classification Process June 2021. Collection method: clinical testing. Allele origin: germline. Affected: yes.
Comment: Not observed at significant frequency in large population cohorts (gnomAD); In silico analysis supports that this missense variant does not alter protein structure/function; Has not been previously published as pathogenic or benign to our knowledge

NM_014271.4(IL1RAPL1):c.884A>G (p.Glu295Gly)

Gene: IL1RAPL1 (interleukin 1 receptor accessory protein like 1; plus strand). Cytogenetic location: Xp21.2.
Variant type: single nucleotide variant.
Coding change: c.884A>G on transcript NM_014271.4 (MANE Select); coding-DNA position 884, A replaced by G.
Protein change: p.Glu295Gly; replaces glutamic acid 295 with glycine.
Molecular consequence: missense variant.
Genome position (GRCh38, 1-based): chrX:29,917,569, A>G. VCF-style: chrX-29917569-A-G. GRCh37 (hg19) VCF-style: chrX-29935686-A-G.
Other names: short protein forms E295G.
Identifiers: ClinVar variation 1712525 (VCV001712525.2), dbSNP rs2518918276, ClinGen allele CA412635979.